The following is an entry in ClinVar:

ClinVar aggregate classification (germline): Uncertain significance (1 of 4 stars; one submission).

Submission:

Ambry Genetics
Classification: Uncertain significance. Last evaluated: 2024-10-28. Review status: criteria provided, single submitter. Criteria: Ambry Variant Classification Scheme 2023. Collection method: clinical testing. Allele origin: germline.
Comment: The p.R534G variant (also known as c.1600C>G), located in coding exon 14 of the RAD54L gene, results from a C to G substitution at nucleotide position 1600. The arginine at codon 534 is replaced by glycine, an amino acid with dissimilar properties. This amino acid position is conserved. In addition, this alteration is predicted to be deleterious by in silico analysis. Based on the available evidence, the clinical significance of this variant remains unclear.

NM_003579.4(RAD54L):c.1600C>G (p.Arg534Gly)

Gene: RAD54L (RAD54 like; plus strand). Cytogenetic location: 1p34.1.
Variant type: single nucleotide variant.
Coding change: c.1600C>G on transcript NM_003579.4 (MANE Select); coding-DNA position 1600, C replaced by G.
Protein change: p.Arg534Gly; replaces arginine 534 with glycine.
Molecular consequence: missense variant.
Genome position (GRCh38, 1-based): chr1:46,273,737, C>G. VCF-style: chr1-46273737-C-G. GRCh37 (hg19) VCF-style: chr1-46739409-C-G.
Other names: c.1600C>G, p.Arg534Gly (NM_001142548.2); c.1060C>G, p.Arg354Gly (NM_001370766.1); short protein forms R534G, R354G.
Identifiers: ClinVar variation 3429829 (VCV003429829.1).